The following is an entry in ClinVar:

NM_001113491.2(SEPTIN9):c.1219C>T (p.Arg407Cys)

Gene: SEPTIN9 (septin 9; plus strand). Cytogenetic location: 17q25.3.
Variant type: single nucleotide variant.
Coding change: c.1219C>T on transcript NM_001113491.2 (MANE Select); coding-DNA position 1219, C replaced by T.
Protein change: p.Arg407Cys; replaces arginine 407 with cysteine.
Molecular consequence: missense variant.
Genome position (GRCh38, 1-based): chr17:77,488,821, C>T. VCF-style: chr17-77488821-C-T. GRCh37 (hg19) VCF-style: chr17-75484903-C-T.
Other names: c.727C>T, p.Arg243Cys (NM_001113492.2, NM_001113494.1); c.1198C>T, p.Arg400Cys (NM_001113493.2); c.466C>T, p.Arg156Cys (NM_001113495.2, NM_001113496.2, NM_001293697.2 and 1 more transcripts); c.1162C>T, p.Arg388Cys (NM_001293695.2); c.547C>T, p.Arg183Cys (NM_001293696.2); c.1165C>T, p.Arg389Cys (NM_006640.5); c.1165C>T (NM_006640.4); short protein forms R156C, R183C, R243C, R388C, R389C, R400C, R407C.
Identifiers: ClinVar variation 978094 (VCV000978094.10), dbSNP rs1294350608, ClinGen allele CA401209291.

ClinVar aggregate classification (germline): Uncertain significance. Review status: criteria provided, multiple submitters, no conflicts (2 of 4 stars). 3 submissions from 3 submitters: Uncertain significance (3). Last evaluated 2023-12-14.

Conditions:
Inborn genetic diseases. Identifiers: MedGen C0950123, MeSH D030342.
Amyotrophic neuralgia (HNA). Also called: AMYOTROPHY, HEREDITARY NEURALGIC, WITH PREDILECTION FOR BRACHIAL PLEXUS; AMYOTROPHY, HEREDITARY NEURALGIC; Hereditary Brachial Plexus Neuropathy; Neuritis with Brachial Predilection. Identifiers: Orphanet 2901, MedGen C1834304, MONDO:0008076, OMIM 162100.

Allele frequency attached by ClinVar (database versions not stated): gnomAD exomes below 0.00001; gnomAD 0.00003 and 0.00004; TOPMed 0.00011.

Submissions (3):

Ambry Genetics
Classification: Uncertain significance for Inborn genetic diseases. Last evaluated: 2023-12-14. Review status: criteria provided, single submitter. Criteria: Ambry Variant Classification Scheme 2023. Collection method: clinical testing. Allele origin: germline.

Labcorp Genetics (formerly Invitae), Labcorp
Classification: Uncertain significance. Last evaluated: 2022-12-03. Review status: criteria provided, single submitter. Criteria: Invitae Variant Classification Sherloc (09022015). Collection method: clinical testing. Allele origin: germline.
Comment: In summary, the available evidence is currently insufficient to determine the role of this variant in disease. Therefore, it has been classified as a Variant of Uncertain Significance. Advanced modeling of protein sequence and biophysical properties (such as structural, functional, and spatial information, amino acid conservation, physicochemical variation, residue mobility, and thermodynamic stability) performed at Invitae indicates that this missense variant is expected to disrupt SEPT9 protein function. ClinVar contains an entry for this variant (Variation ID: 978094). This variant has not been reported in the literature in individuals affected with SEPT9-related conditions. This variant is not present in population databases (gnomAD no frequency). This sequence change replaces arginine, which is basic and polar, with cysteine, which is neutral and slightly polar, at codon 389 of the SEPT9 protein (p.Arg389Cys).

New York Genome Center
Classification: Uncertain significance for Amyotrophic neuralgia. Last evaluated: 2020-07-02. Review status: criteria provided, single submitter. Criteria: NYGC Assertion Criteria 2020. Collection method: clinical testing. Allele origin: germline. Observed: 2 heterozygotes. Clinical features observed: Seizure (HP:0001250), Intellectual disability (HP:0001249), Hemiparesis (HP:0001269), Failure to thrive (HP:0001508), Scoliosis (HP:0002650), Elbow flexion contracture (HP:0002987), Short stature (HP:0004322), Encephalomalacia (HP:0040197), Abnormal facial shape (HP:0001999), Delayed speech and language development (HP:0000750), Attention deficit hyperactivity disorder (HP:0007018), Anxiety (HP:0000739), and 10 more. Study: CSER-NYCKidSeq.